The following is an entry in ClinVar:

ClinVar aggregate classification (germline): Uncertain significance (1 of 4 stars; one submission).

Submission:

Labcorp Genetics (formerly Invitae), Labcorp
Classification: Uncertain significance. Last evaluated: 2023-09-10. Review status: criteria provided, single submitter. Criteria: Invitae Variant Classification Sherloc (09022015). Collection method: clinical testing. Allele origin: germline.
Comment: In summary, the available evidence is currently insufficient to determine the role of this variant in disease. Therefore, it has been classified as a Variant of Uncertain Significance. This variant has not been reported in the literature in individuals affected with ZCCHC8-related conditions. This variant is present in population databases (rs749016733, gnomAD 0.002%). This sequence change creates a premature translational stop signal (p.Arg255Serfs*23) in the ZCCHC8 gene. It is expected to result in an absent or disrupted protein product. However, the current clinical and genetic evidence is not sufficient to establish whether loss-of-function variants in ZCCHC8 cause disease.

NM_017612.5(ZCCHC8):c.765_771del (p.Arg255fs)

Gene: ZCCHC8 (zinc finger CCHC-type containing 8; minus strand). Cytogenetic location: 12q24.31.
Variant type: Microsatellite.
Coding change: c.765_771del on transcript NM_017612.5 (MANE Select); coding-DNA positions 765 to 771, 7 bases deleted (AAAAGAG; older notation c.765_771delAAAAGAG).
Protein change: p.Arg255fs; shifts the reading frame from arginine 255.
Molecular consequence: frameshift variant.
Genome position (GRCh38, 1-based): chr12:122,482,049-122,482,055, CTCTTTT deleted on the plus strand (AAAAGAG on the coding strand, the reverse complement: ZCCHC8 is on the minus strand); deleting any 7 consecutive bases within chr12:122,482,049-122,482,063 gives the same sequence; the c. name uses the placement nearest the transcript's 3' end. VCF-style (leftmost placement, unchanged base first): chr12-122482048-ACTCTTTT-A. GRCh37 (hg19) VCF-style: chr12-122966595-ACTCTTTT-A.
Other names: c.534_540del, p.Arg178fs (NM_001350935.2); c.468_474del, p.Arg156fs (NM_001350936.2); c.51_57del, p.Arg17fs (NM_001350937.2, NM_001350938.2); short protein forms R255fs, R17fs, R178fs, R156fs.
Identifiers: ClinVar variation 1503638 (VCV001503638.6), dbSNP rs749016733, ClinGen allele CA6846365.